The following is an entry in ClinVar:

ClinVar aggregate classification (germline): Uncertain significance (1 of 4 stars; one submission).

Conditions:
Catecholaminergic polymorphic ventricular tachycardia 1. Also called: VENTRICULAR TACHYCARDIA, CATECHOLAMINERGIC POLYMORPHIC, 1, WITH OR WITHOUT ATRIAL DYSFUNCTION AND/OR DILATED CARDIOMYOPATHY; VENTRICULAR TACHYCARDIA, STRESS-INDUCED POLYMORPHIC 1; RYR2-Related Catecholaminergic Polymorphic Ventricular Tachycardia. Identifiers: Orphanet 3286, MedGen C1631597, MONDO:0011484, OMIM 604772.

Submission:

Labcorp Genetics (formerly Invitae), Labcorp
Classification: Uncertain significance for Catecholaminergic polymorphic ventricular tachycardia 1. Last evaluated: 2023-10-04. Review status: criteria provided, single submitter. Criteria: Invitae Variant Classification Sherloc (09022015). Collection method: clinical testing. Allele origin: germline.
Comment: This sequence change replaces leucine, which is neutral and non-polar, with proline, which is neutral and non-polar, at codon 3277 of the RYR2 protein (p.Leu3277Pro). This variant is not present in population databases (gnomAD no frequency). This variant has not been reported in the literature in individuals affected with RYR2-related conditions. Advanced modeling of protein sequence and biophysical properties (such as structural, functional, and spatial information, amino acid conservation, physicochemical variation, residue mobility, and thermodynamic stability) performed at Invitae indicates that this missense variant is expected to disrupt RYR2 protein function. In summary, the available evidence is currently insufficient to determine the role of this variant in disease. Therefore, it has been classified as a Variant of Uncertain Significance.

NM_001035.3(RYR2):c.9830T>C (p.Leu3277Pro)

Gene: RYR2 (ryanodine receptor 2; plus strand). Cytogenetic location: 1q43.
Variant type: single nucleotide variant.
Coding change: c.9830T>C on transcript NM_001035.3 (MANE Select); coding-DNA position 9830, T replaced by C.
Protein change: p.Leu3277Pro; replaces leucine 3277 with proline.
Molecular consequence: missense variant.
Genome position (GRCh38, 1-based): chr1:237,707,198, T>C. VCF-style: chr1-237707198-T-C. GRCh37 (hg19) VCF-style: chr1-237870498-T-C.
Other names: short protein forms L3277P.
Identifiers: ClinVar variation 2838595 (VCV002838595.3), dbSNP rs2547403093, ClinGen allele CA345409223.